The following is an entry in ClinVar:

ClinVar aggregate classification (germline): Uncertain significance (1 of 4 stars; one submission).

Conditions:
Severe combined immunodeficiency due to IKK2 deficiency. Also called: Immunodeficiency 15; IMMUNODEFICIENCY 15B. Identifiers: Orphanet 397787, MedGen C4747743, MONDO:0014267, OMIM 615592.

Allele frequency attached by ClinVar (database versions not stated): TOPMed 0.00004; gnomAD exomes 0.00007; gnomAD 0.00009; ESP Exome Variant Server 0.00015; ExAC 0.00021.
gnomAD v4.1: 122 of 1,614,054 alleles (0.0076%); highest among the groups gnomAD compares: East Asian, 0.13%; 2 homozygotes.

Submission:

Labcorp Genetics (formerly Invitae), Labcorp
Classification: Uncertain significance for Severe combined immunodeficiency due to IKK2 deficiency. Last evaluated: 2024-10-27. Review status: criteria provided, single submitter. Criteria: Invitae Variant Classification Sherloc (09022015). Collection method: clinical testing. Allele origin: germline.
Comment: This sequence change replaces threonine, which is neutral and polar, with methionine, which is neutral and non-polar, at codon 744 of the IKBKB protein (p.Thr744Met). This variant is present in population databases (rs138183879, gnomAD 0.02%). This variant has not been reported in the literature in individuals affected with IKBKB-related conditions. ClinVar contains an entry for this variant (Variation ID: 2071856). Invitae Evidence Modeling of protein sequence and biophysical properties (such as structural, functional, and spatial information, amino acid conservation, physicochemical variation, residue mobility, and thermodynamic stability) indicates that this missense variant is not expected to disrupt IKBKB protein function with a negative predictive value of 95%. In summary, the available evidence is currently insufficient to determine the role of this variant in disease. Therefore, it has been classified as a Variant of Uncertain Significance.

NM_001556.3(IKBKB):c.2231C>T (p.Thr744Met)

Gene: IKBKB (inhibitor of nuclear factor kappa B kinase subunit beta; plus strand). Cytogenetic location: 8p11.21.
Variant type: single nucleotide variant.
Coding change: c.2231C>T on transcript NM_001556.3 (MANE Select); coding-DNA position 2231, C replaced by T.
Protein change: p.Thr744Met; replaces threonine 744 with methionine.
Molecular consequence: missense variant. On other transcripts: non-coding transcript variant (3).
Genome position (GRCh38, 1-based): chr8:42,330,939, C>T. VCF-style: chr8-42330939-C-T. GRCh37 (hg19) VCF-style: chr8-42188457-C-T.
Other names: c.2039C>T, p.Thr680Met (NM_001190720.3); c.2054C>T, p.Thr685Met (NM_001242778.2); short protein forms T744M, T680M, T685M.
Identifiers: ClinVar variation 2071856 (VCV002071856.2), dbSNP rs138183879, ClinGen allele CA4732233.